The following is an entry in ClinVar:

ClinVar aggregate classification (germline): Uncertain significance (1 of 4 stars; one submission).

Allele frequency attached by ClinVar (database versions not stated): ExAC 0.00001; TOPMed 0.00002; gnomAD 0.00003.

Submission:

Labcorp Genetics (formerly Invitae), Labcorp
Classification: Uncertain significance. Last evaluated: 2022-07-25. Review status: criteria provided, single submitter. Criteria: Invitae Variant Classification Sherloc (09022015). Collection method: clinical testing. Allele origin: germline.
Comment: Algorithms developed to predict the effect of missense changes on protein structure and function (SIFT, PolyPhen-2, Align-GVGD) all suggest that this variant is likely to be tolerated. In summary, the available evidence is currently insufficient to determine the role of this variant in disease. Therefore, it has been classified as a Variant of Uncertain Significance. This variant has not been reported in the literature in individuals affected with ELOVL5-related conditions. This variant is present in population databases (rs768475739, gnomAD 0.008%). This sequence change replaces methionine, which is neutral and non-polar, with valine, which is neutral and non-polar, at codon 107 of the ELOVL5 protein (p.Met107Val).

NM_021814.5(ELOVL5):c.319A>G (p.Met107Val)

Gene: ELOVL5 (ELOVL fatty acid elongase 5; minus strand). Cytogenetic location: 6p12.1.
Variant type: single nucleotide variant.
Coding change: c.319A>G on transcript NM_021814.5 (MANE Select); coding-DNA position 319, A replaced by G.
Protein change: p.Met107Val; replaces methionine 107 with valine.
Molecular consequence: missense variant.
Genome position (GRCh38, 1-based): chr6:53,276,184, T>C on the plus strand (A>G on the coding strand, the complement: ELOVL5 is on the minus strand). VCF-style: chr6-53276184-T-C. GRCh37 (hg19) VCF-style: chr6-53140982-T-C.
Other names: c.400A>G, p.Met134Val (NM_001242828.2); c.319A>G, p.Met107Val (NM_001242830.2, NM_001301856.2); short protein forms M107V, M134V.
Identifiers: ClinVar variation 2062593 (VCV002062593.2), dbSNP rs768475739, ClinGen allele CA3859762.